The following is an entry in ClinVar:

NM_006440.5(TXNRD2):c.431G>C (p.Arg144Pro)

Gene: TXNRD2 (thioredoxin reductase 2; minus strand). Cytogenetic location: 22q11.21.
Variant type: single nucleotide variant.
Coding change: c.431G>C on transcript NM_006440.5 (MANE Select); coding-DNA position 431, G replaced by C.
Protein change: p.Arg144Pro; replaces arginine 144 with proline.
Molecular consequence: missense variant. On other transcripts: non-coding transcript variant (1).
Genome position (GRCh38, 1-based): chr22:19,918,161, C>G on the plus strand (G>C on the coding strand, the complement: TXNRD2 is on the minus strand). VCF-style: chr22-19918161-C-G. GRCh37 (hg19) VCF-style: chr22-19905684-C-G.
Other names: c.431G>C, p.Arg144Pro (NM_001282512.3); c.428G>C, p.Arg143Pro (NM_001352300.2); c.341G>C, p.Arg114Pro (NM_001352301.2); c.143G>C, p.Arg48Pro (NM_001352302.2); c.335G>C, p.Arg112Pro (NM_001352303.2); short protein forms R112P, R114P, R143P, R144P, R48P.
Identifiers: ClinVar variation 1318820 (VCV001318820.9), dbSNP rs748674090, ClinGen allele CA410693489.
Genomic context (GRCh38, chr22:19,918,161, plus strand): 5'-AAGGCCCAGAGGGCGGCCCATTCCCGGAGAGAGCTTCAGTACCTGTCCTGAAGCTGGACA[C>G]GGTGGCCCCAGTTCAAGGATTTCACGTGATTTTGAACAGCTTCTGCCATCTTCCTCCTGT-3'
Protein context (NP_006431.2, residues 134-154): NHVKSLNWGH[Arg144Pro]VQLQDRKVKY

ClinVar aggregate classification (germline): Uncertain significance. Review status: criteria provided, multiple submitters, no conflicts (2 of 4 stars). 2 submissions from 2 submitters: Uncertain significance (2). Last evaluated 2022-07-05.

Conditions:
Primary dilated cardiomyopathy (DCM). Also called: Dilated Cardiomyopathy. Identifiers: Orphanet 217604, MedGen C0007193, MeSH D002311, MONDO:0005021, HP:0001644. Inheritance: Various modes of inheritance.

gnomAD v4.1: 14 of 1,614,156 alleles (0.00087%); highest among the groups gnomAD compares: Non-Finnish European, 0.0012%; no homozygotes.

Submissions (2):

Labcorp Genetics (formerly Invitae), Labcorp
Classification: Uncertain significance for Primary dilated cardiomyopathy. Last evaluated: 2022-07-05. Review status: criteria provided, single submitter. Criteria: Invitae Variant Classification Sherloc (09022015). Collection method: clinical testing. Allele origin: germline.
Comment: In summary, the available evidence is currently insufficient to determine the role of this variant in disease. Therefore, it has been classified as a Variant of Uncertain Significance. Algorithms developed to predict the effect of missense changes on protein structure and function are either unavailable or do not agree on the potential impact of this missense change (SIFT: "Deleterious"; PolyPhen-2: "Probably Damaging"; Align-GVGD: "Class C15"). ClinVar contains an entry for this variant (Variation ID: 1318820). This missense change has been observed in individual(s) with dilated cardiomyopathy (PMID: 31983221). This variant is not present in population databases (gnomAD no frequency). This sequence change replaces arginine, which is basic and polar, with proline, which is neutral and non-polar, at codon 144 of the TXNRD2 protein (p.Arg144Pro).

GeneDx
Classification: Uncertain significance. Last evaluated: 2019-08-06. Review status: criteria provided, single submitter. Criteria: GeneDx Variant Classification Process June 2021. Collection method: clinical testing. Allele origin: germline. Affected: yes.
Comment: Not observed at a significant frequency in large population cohorts (Lek et al., 2016); In silico analysis, which includes protein predictors and evolutionary conservation, supports a deleterious effect; Has not been previously published as pathogenic or benign to our knowledge; This variant is associated with the following publications: (PMID: 31983221)

Literature cited by the submitters: PubMed 31983221 (cited by Labcorp Genetics (formerly Invitae), Labcorp).